The following is an entry in ClinVar:

ClinVar aggregate classification (germline): Uncertain significance (1 of 4 stars; one submission).

Submission:

Labcorp Genetics (formerly Invitae), Labcorp
Classification: Uncertain significance. Last evaluated: 2024-04-16. Review status: criteria provided, single submitter. Criteria: Invitae Variant Classification Sherloc (09022015). Collection method: clinical testing. Allele origin: germline.
Comment: This sequence change replaces serine, which is neutral and polar, with arginine, which is basic and polar, at codon 18 of the PDE4D protein (p.Ser18Arg). This variant is not present in population databases (gnomAD no frequency). This variant has not been reported in the literature in individuals affected with PDE4D-related conditions. An algorithm developed to predict the effect of missense changes on protein structure and function (PolyPhen-2) suggests that this variant is likely to be tolerated. In summary, the available evidence is currently insufficient to determine the role of this variant in disease. Therefore, it has been classified as a Variant of Uncertain Significance.

NM_001104631.2(PDE4D):c.54C>A (p.Ser18Arg)

Gene: PDE4D (phosphodiesterase 4D; minus strand). Cytogenetic location: 5q12.1.
Variant type: single nucleotide variant.
Coding change: c.54C>A on transcript NM_001104631.2 (MANE Select); coding-DNA position 54, C replaced by A.
Protein change: p.Ser18Arg; replaces serine 18 with arginine.
Molecular consequence: missense variant. On other transcripts: intron variant (5).
Genome position (GRCh38, 1-based): chr5:59,893,569, G>T on the plus strand (C>A on the coding strand, the complement: PDE4D is on the minus strand). VCF-style: chr5-59893569-G-T. GRCh37 (hg19) VCF-style: chr5-59189396-G-T.
Other names: c.272+94919C>A (NM_001364599.1, NM_001165899.2, NM_001364600.2); c.-240+94919C>A (NM_001349243.2); c.242+94919C>A (NM_001349241.2); short protein forms S18R.
Identifiers: ClinVar variation 2907662 (VCV002907662.3), dbSNP rs1328397169, ClinGen allele CA359933193.